The following is an entry in ClinVar:

NM_000321.3(RB1):c.1139A>G (p.Asn380Ser)

Gene: RB1 (RB transcriptional corepressor 1; plus strand). Cytogenetic location: 13q14.2.
Variant type: single nucleotide variant.
Coding change: c.1139A>G on transcript NM_000321.3 (MANE Select); coding-DNA position 1139, A replaced by G.
Protein change: p.Asn380Ser; replaces asparagine 380 with serine.
Molecular consequence: missense variant.
Genome position (GRCh38, 1-based): chr13:48,373,416, A>G. VCF-style: chr13-48373416-A-G. GRCh37 (hg19) VCF-style: chr13-48947552-A-G.
Other names: short protein forms N380S.
Identifiers: ClinVar variation 527934 (VCV000527934.20), dbSNP rs1470523018, ClinGen allele CA388161451.

ClinVar aggregate classification (germline): Conflicting classifications of pathogenicity. Review status: criteria provided, conflicting classifications (1 of 4 stars). 5 submissions from 5 submitters: Uncertain significance (3); Benign (1); Likely benign (1). Last evaluated 2025-12-20.

Conditions:
Hereditary cancer-predisposing syndrome. Also called: Neoplastic Syndromes, Hereditary; Tumor predisposition; Hereditary Cancer Syndrome; Hereditary neoplastic syndrome. Identifiers: Orphanet 140162, MedGen C0027672, MeSH D009386, MONDO:0015356.
Retinoblastoma (RB1). Also called: RETINOBLASTOMA, SOMATIC. Identifiers: Orphanet 790, MedGen C0035335, MeSH D012175, MONDO:0008380, OMIM 180200, HP:0009919. Disease mechanism: loss of function. Inheritance: Both sporadic and heritable forms are tested..

Allele frequency attached by ClinVar (database versions not stated): gnomAD exomes below 0.00001 and 0.00001; gnomAD 0.00001; TOPMed 0.00002.
gnomAD v4.1: 16 of 1,588,354 alleles (0.001%); highest among the groups gnomAD compares: Non-Finnish European, 0.0014%; no homozygotes.

Submissions (5):

Labcorp Genetics (formerly Invitae), Labcorp
Classification: Benign for Retinoblastoma. Last evaluated: 2025-12-20. Review status: criteria provided, single submitter. Criteria: Invitae Variant Classification Sherloc (09022015). Collection method: clinical testing. Allele origin: germline.

Ambry Genetics
Classification: Likely benign for Hereditary cancer-predisposing syndrome. Last evaluated: 2025-07-18. Review status: criteria provided, single submitter. Criteria: Ambry Variant Classification Scheme 2023. Collection method: clinical testing. Allele origin: germline.

Color Diagnostics, LLC DBA Color Health
Classification: Uncertain significance for Retinoblastoma. Last evaluated: 2024-03-06. Review status: criteria provided, single submitter. Criteria: ACMG Guidelines, 2015. Collection method: clinical testing. Allele origin: germline.
Comment: This missense variant replaces asparagine with serine at codon 380 of the RB1 protein. Computational prediction suggests that this variant may not impact protein structure and function. To our knowledge, functional studies have not been reported for this variant. This variant has not been reported in individuals affected with RB1-related disorders in the literature. This variant has been identified in 2/282042 chromosomes in the general population by the Genome Aggregation Database (gnomAD). The available evidence is insufficient to determine the role of this variant in disease conclusively. Therefore, this variant is classified as a Variant of Uncertain Significance.

All of Us Research Program, National Institutes of Health
Classification: Uncertain significance for Retinoblastoma. Last evaluated: 2023-08-15. Review status: criteria provided, single submitter. Criteria: ACMG Guidelines, 2015. Collection method: clinical testing. Allele origin: germline. Inheritance: Autosomal dominant inheritance. Observed: 3 variant alleles, 3 heterozygotes.
Comment: This missense variant replaces asparagine with serine at codon 380 of the RB1 protein. Computational prediction suggests that this variant may not impact protein structure and function (internally defined REVEL score threshold <= 0.5, PMID: 27666373). To our knowledge, functional studies have not been reported for this variant. This variant has not been reported in individuals affected with RB1-related disorders in the literature. This variant has been identified in 2/282042 chromosomes in the general population by the Genome Aggregation Database (gnomAD). The available evidence is insufficient to determine the role of this variant in disease conclusively. Therefore, this variant is classified as a Variant of Uncertain Significance.

This study involves interpretation of variants in research participants for the purpose of population health screening. Participant phenotype was not available at the time of variant classification. Additional details can be found in publication PMID: 35346344, PMCID: PMC8962531

Illumina Laboratory Services, Illumina
Classification: Uncertain significance for Retinoblastoma. Last evaluated: 2017-04-27. Review status: criteria provided, single submitter. Criteria: ICSL Variant Classification Criteria 13 December 2019. Collection method: clinical testing. Allele origin: germline.